The following is an entry in ClinVar:

NM_004260.4(RECQL4):c.2072T>C (p.Leu691Pro)

Gene: RECQL4 (RecQ like helicase 4; minus strand). Cytogenetic location: 8q24.3.
Variant type: single nucleotide variant.
Coding change: c.2072T>C on transcript NM_004260.4 (MANE Select); coding-DNA position 2072, T replaced by C.
Protein change: p.Leu691Pro; replaces leucine 691 with proline.
Molecular consequence: missense variant. On other transcripts: non-coding transcript variant (2).
Genome position (GRCh38, 1-based): chr8:144,513,699, A>G on the plus strand (T>C on the coding strand, the complement: RECQL4 is on the minus strand). VCF-style: chr8-144513699-A-G. GRCh37 (hg19) VCF-style: chr8-145739083-A-G.
Other names: c.1976T>C, p.Leu659Pro (NM_001413017.1, NM_001413020.1); c.2072T>C, p.Leu691Pro (NM_001413018.1, NM_001413019.1, NM_001413036.1); c.1001T>C, p.Leu334Pro (NM_001413021.1, NM_001413022.1, NM_001413023.1 and 6 more transcripts); c.1943T>C, p.Leu648Pro (NM_001413025.1); c.935T>C, p.Leu312Pro (NM_001413027.1, NM_001413030.1, NM_001413032.1 and 1 more transcripts); c.1721T>C, p.Leu574Pro (NM_001413029.1); c.803T>C, p.Leu268Pro (NM_001413031.1); c.1940T>C, p.Leu647Pro (NM_001413033.1); and 4 more; short protein forms L268P, L324P, L647P, L691P, L202P, L312P, L334P, L574P.
Identifiers: ClinVar variation 5028082 (VCV005028082.1).

ClinVar aggregate classification (germline): Uncertain significance (1 of 4 stars; one submission).

Conditions:
Inborn genetic diseases. Identifiers: MedGen C0950123, MeSH D030342.

Submission:

Ambry Genetics
Classification: Uncertain significance for Inborn genetic diseases. Last evaluated: 2026-07-13. Review status: criteria provided, single submitter. Criteria: Ambry Variant Classification Scheme 2023. Collection method: clinical testing. Allele origin: germline.
Comment: The p.L691P variant (also known as c.2072T>C), located in coding exon 13 of the RECQL4 gene, results from a T to C substitution at nucleotide position 2072. The leucine at codon 691 is replaced by proline, an amino acid with similar properties. This amino acid position is conserved. In addition, this alteration is predicted to be deleterious by in silico analysis. Based on the available evidence, the clinical significance of this variant remains unclear.